The following is an entry in ClinVar:

NM_000531.6(OTC):c.762G>A (p.Ala254=)

Gene: OTC (ornithine transcarbamylase; plus strand). Cytogenetic location: Xp11.4.
Variant type: single nucleotide variant.
Coding change: c.762G>A on transcript NM_000531.6 (MANE Select); coding-DNA position 762, G replaced by A.
Protein change: p.Ala254=; no amino-acid change (alanine 254 retained).
Molecular consequence: synonymous variant.
Genome position (GRCh38, 1-based): chrX:38,408,920, G>A. VCF-style: chrX-38408920-G-A. GRCh37 (hg19) VCF-style: chrX-38268173-G-A.
Identifiers: ClinVar variation 754013 (VCV000754013.15), dbSNP rs1388386866, ClinGen allele CA515642230.

ClinVar aggregate classification (germline): Likely benign. Review status: criteria provided, multiple submitters, no conflicts (2 of 4 stars). 3 submissions from 3 submitters: Likely benign (2). 1 of the submissions does not count toward it. Last evaluated 2025-02-02.

Conditions:
Ornithine carbamoyltransferase deficiency (OTCD). Also called: Ornithine Carbamoyltransferase Deficiency Disease; OTC DEFICIENCY; ORNITHINE TRANSCARBAMYLASE DEFICIENCY, HYPERAMMONEMIA DUE TO; ORNITHINE TRANSCARBAMYLASE DEFICIENCY. Identifiers: Orphanet 664, MedGen C0268542, MONDO:0010703, OMIM 311250.

Allele frequency attached by ClinVar (database versions not stated): TOPMed 0.00005.
gnomAD v4.1: 8 of 1,208,401 alleles (0.00066%); highest among the groups gnomAD compares: Non-Finnish European, 0.00089%; no homozygotes.

Submissions (3):

Labcorp Genetics (formerly Invitae), Labcorp
Classification: Likely benign for Ornithine carbamoyltransferase deficiency. Last evaluated: 2025-02-02. Review status: criteria provided, single submitter. Criteria: Invitae Variant Classification Sherloc (09022015). Collection method: clinical testing. Allele origin: germline.

All of Us Research Program, National Institutes of Health
Classification: Likely benign for Ornithine carbamoyltransferase deficiency. Last evaluated: 2023-09-17. Review status: criteria provided, single submitter. Criteria: ACMG Guidelines, 2015. Collection method: clinical testing. Allele origin: germline. Inheritance: X-linked inheritance. Observed: 5 variant alleles, 4 heterozygotes, 1 homozygote.
Comment: This study involves interpretation of variants in research participants for the purpose of population health screening. Participant phenotype was not available at the time of variant classification. Additional details can be found in publication PMID: 35346344, PMCID: PMC8962531

Natera, Inc.
Classification: Likely benign for Ornithine transcarbamylase deficiency. Last evaluated: 2021-01-21. Review status: no assertion criteria provided. Collection method: clinical testing. Allele origin: germline. Not counted in ClinVar's aggregate classification.